The following is an entry in ClinVar:

ClinVar aggregate classification (germline): Benign/Likely benign. Review status: criteria provided, multiple submitters, no conflicts (2 of 4 stars). 3 submissions from 3 submitters: Benign (1); Likely benign (1). 1 of the submissions does not count toward it. Last evaluated 2024-11-13.

Conditions:
BDP1-related disorder. Also called: BDP1-related condition.

Allele frequency attached by ClinVar (database versions not stated): gnomAD exomes 0.00030 and 0.00062; ExAC 0.00071; 1000 Genomes Project 0.00180; 1000 Genomes Project 30x 0.00203; ESP Exome Variant Server 0.00211; gnomAD 0.00252 and 0.00273; TOPMed 0.00317.

Submissions (3):

Blueprint Genetics
Classification: Likely benign. Last evaluated: 2024-11-13. Review status: criteria provided, single submitter. Criteria: ACMG Guidelines, 2015. Collection method: clinical testing. Allele origin: germline.

GeneDx
Classification: Benign. Last evaluated: 2018-10-25. Review status: criteria provided, single submitter. Criteria: GeneDx Variant Classification Process June 2021. Collection method: clinical testing. Allele origin: germline. Affected: yes.

PreventionGenetics, part of Exact Sciences
Classification: Benign for BDP1-related condition. Last evaluated: 2019-10-01. Review status: no assertion criteria provided. Collection method: clinical testing. Allele origin: germline. Not counted in ClinVar's aggregate classification.
Comment: This variant is classified as benign based on ACMG/AMP sequence variant interpretation guidelines (Richards et al. 2015 PMID: 25741868, with internal and published modifications).

NM_018429.3(BDP1):c.3212G>C (p.Ser1071Thr)

Gene: BDP1 (BDP1 general transcription factor IIIB subunit; plus strand). Cytogenetic location: 5q13.2.
Variant type: single nucleotide variant.
Coding change: c.3212G>C on transcript NM_018429.3 (MANE Select); coding-DNA position 3212, G replaced by C.
Protein change: p.Ser1071Thr; replaces serine 1071 with threonine.
Molecular consequence: missense variant.
Genome position (GRCh38, 1-based): chr5:71,510,304, G>C. VCF-style: chr5-71510304-G-C. GRCh37 (hg19) VCF-style: chr5-70806131-G-C.
Other names: short protein forms S1071T.
Identifiers: ClinVar variation 1236605 (VCV001236605.6), dbSNP rs75859503, ClinGen allele CA3296433.